The following is an entry in ClinVar:

NM_004067.4(CHN2):c.1006G>A (p.Asp336Asn)

Gene: CHN2 (chimerin 2; plus strand). Cytogenetic location: 7p14.3.
Variant type: single nucleotide variant.
Coding change: c.1006G>A on transcript NM_004067.4 (MANE Select); coding-DNA position 1006, G replaced by A.
Protein change: p.Asp336Asn; replaces aspartic acid 336 with asparagine.
Molecular consequence: missense variant. On other transcripts: non-coding transcript variant (1), intron variant (5).
Genome position (GRCh38, 1-based): chr7:29,507,242, G>A. VCF-style: chr7-29507242-G-A. GRCh37 (hg19) VCF-style: chr7-29546858-G-A.
Other names: NM_001293069.1:c.1231G>A; c.598G>A, p.Asp200Asn (NM_001039936.3); c.1045G>A, p.Asp349Asn (NM_001293070.2); c.901G>A, p.Asp301Asn (NM_001293071.2); c.961G>A, p.Asp321Asn (NM_001293072.2); c.463G>A, p.Asp155Asn (NM_001293073.2); c.424G>A, p.Asp142Asn (NM_001293076.2); c.385G>A, p.Asp129Asn (NM_001293081.2); and 6 more; short protein forms D129N, D142N, D155N, D190N, D200N, D301N, D321N, D336N.
Identifiers: ClinVar variation 3035515 (VCV003035515.2), dbSNP rs141086830, ClinGen allele CA4202312.
Genomic context (GRCh38, chr7:29,507,242, plus strand): 5'-TGAAATAAGGTCCTAATTAGGACTTGGATCACTGATTGTTTTTCAGATGGTGAAAAGGCC[G>A]ATATATCTGCCAATGTCTATCCAGACATAAACATCATCACTGGAGCCCTTAAACTGTATT-3'
Protein context (NP_004058.1, residues 326-346): MAFDRDGEKA[Asp336Asn]ISANVYPDIN

ClinVar aggregate classification (germline): Likely benign (0 of 4 stars; one submission).

Conditions:
CHN2-related disorder. Also called: CHN2-related condition.

Allele frequency attached by ClinVar (database versions not stated): gnomAD exomes 0.00005; ExAC 0.00016; 1000 Genomes Project 0.00040; 1000 Genomes Project 30x 0.00047; ESP Exome Variant Server 0.00062; gnomAD 0.00063; TOPMed 0.00063.
gnomAD v4.1: 172 of 1,607,456 alleles (0.011%); highest among the groups gnomAD compares: African/African-American, 0.19%; no homozygotes.

Submission:

PreventionGenetics, part of Exact Sciences
Classification: Likely benign for CHN2-related condition. Last evaluated: 2022-04-01. Review status: no assertion criteria provided. Collection method: clinical testing. Allele origin: germline.
Comment: This variant is classified as likely benign based on ACMG/AMP sequence variant interpretation guidelines (Richards et al. 2015 PMID: 25741868, with internal and published modifications).